The following is an entry in ClinVar:

NM_198576.4(AGRN):c.5266G>A (p.Val1756Ile)

Gene: AGRN (agrin; plus strand). Cytogenetic location: 1p36.33.
Variant type: single nucleotide variant.
Coding change: c.5266G>A on transcript NM_198576.4 (MANE Select); coding-DNA position 5266, G replaced by A.
Protein change: p.Val1756Ile; replaces valine 1756 with isoleucine.
Molecular consequence: missense variant.
Genome position (GRCh38, 1-based): chr1:1,051,265, G>A. VCF-style: chr1-1051265-G-A. GRCh37 (hg19) VCF-style: chr1-986645-G-A.
Other names: c.5278G>A, p.Val1760Ile (NM_001305275.2); c.4963G>A, p.Val1655Ile (NM_001364727.2); short protein forms V1655I, V1756I, V1760I.
Identifiers: ClinVar variation 1062112 (VCV001062112.7), dbSNP rs760176911, ClinGen allele CA509975.

ClinVar aggregate classification (germline): Uncertain significance (1 of 4 stars; one submission).

Conditions:
Congenital myasthenic syndrome 8. Also called: Myasthenic syndrome, congenital, 8, with pre- and postsynaptic defects; MYASTHENIC SYNDROME, CONGENITAL, DUE TO AGRIN DEFICIENCY. Identifiers: Orphanet 590, MedGen C3808739, MONDO:0014052, OMIM 615120.

Allele frequency attached by ClinVar (database versions not stated): TOPMed below 0.00001; gnomAD 0.00001; ExAC 0.00007.
gnomAD v4.1: 27 of 1,581,300 alleles (0.0017%); highest among the groups gnomAD compares: Middle Eastern, 0.034%; no homozygotes.

Submission:

Labcorp Genetics (formerly Invitae), Labcorp
Classification: Uncertain significance for Congenital myasthenic syndrome 8. Last evaluated: 2025-10-02. Review status: criteria provided, single submitter. Criteria: Invitae Variant Classification Sherloc (09022015). Collection method: clinical testing. Allele origin: germline.
Comment: This sequence change replaces valine, which is neutral and non-polar, with isoleucine, which is neutral and non-polar, at codon 1756 of the AGRN protein (p.Val1756Ile). The frequency data for this variant in the population databases is considered unreliable, as metrics indicate poor data quality at this position in the gnomAD database. This variant has not been reported in the literature in individuals affected with AGRN-related conditions. ClinVar contains an entry for this variant (Variation ID: 1062112). An algorithm developed to predict the effect of missense changes on protein structure and function outputs the following: PolyPhen-2: "Benign". The isoleucine amino acid residue is found in multiple mammalian species, which suggests that this missense change does not adversely affect protein function. In summary, the available evidence is currently insufficient to determine the role of this variant in disease. Therefore, it has been classified as a Variant of Uncertain Significance.